The following is an entry in ClinVar:

ClinVar aggregate classification (germline): Uncertain significance (1 of 4 stars; one submission).

Submission:

Labcorp Genetics (formerly Invitae), Labcorp
Classification: Uncertain significance. Last evaluated: 2025-05-27. Review status: criteria provided, single submitter. Criteria: Invitae Variant Classification Sherloc (09022015). Collection method: clinical testing. Allele origin: germline.
Comment: This sequence change replaces valine, which is neutral and non-polar, with alanine, which is neutral and non-polar, at codon 554 of the ZCCHC8 protein (p.Val554Ala). This variant is not present in population databases (gnomAD no frequency). This variant has not been reported in the literature in individuals affected with ZCCHC8-related conditions. Invitae Evidence Modeling of protein sequence and biophysical properties (such as structural, functional, and spatial information, amino acid conservation, physicochemical variation, residue mobility, and thermodynamic stability) indicates that this missense variant is not expected to disrupt ZCCHC8 protein function with a negative predictive value of 80%. In summary, the available evidence is currently insufficient to determine the role of this variant in disease. Therefore, it has been classified as a Variant of Uncertain Significance.

NM_017612.5(ZCCHC8):c.1661T>C (p.Val554Ala)

Gene: ZCCHC8 (zinc finger CCHC-type containing 8; minus strand). Cytogenetic location: 12q24.31.
Variant type: single nucleotide variant.
Coding change: c.1661T>C on transcript NM_017612.5 (MANE Select); coding-DNA position 1661, T replaced by C.
Protein change: p.Val554Ala; replaces valine 554 with alanine.
Molecular consequence: missense variant.
Genome position (GRCh38, 1-based): chr12:122,473,960, A>G on the plus strand (T>C on the coding strand, the complement: ZCCHC8 is on the minus strand). VCF-style: chr12-122473960-A-G. GRCh37 (hg19) VCF-style: chr12-122958507-A-G.
Other names: c.1430T>C, p.Val477Ala (NM_001350935.2); c.1364T>C, p.Val455Ala (NM_001350936.2); c.947T>C, p.Val316Ala (NM_001350937.2, NM_001350938.2); short protein forms V455A, V554A, V316A, V477A.
Identifiers: ClinVar variation 4696420 (VCV004696420.1).